The following is an entry in ClinVar:

NM_001330288.2(SMARCC2):c.2538_2548+1del

Gene: SMARCC2 (SWI/SNF related BAF chromatin remodeling complex subunit C2; minus strand). Cytogenetic location: 12q13.2.
Variant type: Deletion.
Coding change: c.2538_2548+1del on transcript NM_001330288.2 (MANE Select); coding-DNA position 2538 through the canonical splice donor site of the intron after coding-DNA position 2548, 12 bases deleted (AGACCCAATAGG).
Molecular consequence: splice donor variant.
Genome position (GRCh38, 1-based): chr12:56,169,775-56,169,786, CCTATTGGGTCT deleted on the plus strand (AGACCCAATAGG on the coding strand, the reverse complement: SMARCC2 is on the minus strand); deleting any 12 consecutive bases within chr12:56,169,775-56,169,788 gives the same sequence; the c. name uses the placement nearest the transcript's 3' end. VCF-style (leftmost placement, unchanged base first): chr12-56169774-ACCTATTGGGTCT-A. GRCh37 (hg19) VCF-style: chr12-56563558-ACCTATTGGGTCT-A.
Other names: c.2445_2455+1del (NM_003075.5); c.2538_2548+1del (NM_139067.4, NM_001130420.3).
Identifiers: ClinVar variation 3764680 (VCV003764680.2).

ClinVar aggregate classification (germline): Likely pathogenic (1 of 4 stars; one submission).

Conditions:
Coffin-Siris syndrome 8. Identifiers: MedGen C5193054, MONDO:0032702, OMIM 618362.

Submission:

Juno Genomics, Hangzhou Juno Genomics, Inc
Classification: Likely pathogenic for Coffin-Siris syndrome 8. Review status: criteria provided, single submitter. Criteria: ACMG Guidelines, 2015. Collection method: clinical testing. Allele origin: germline. Affected: yes.
Comment: Absent from controls (or at extremely low frequency if recessive) in Genome Aggregation Database, Exome Sequencing Project, 1000 Genomes Project, or Exome Aggregation Consortium.;Null variant in a gene where loss of function (LOF) is a known mechanism of disease.